The following is an entry in ClinVar:

NM_000059.4(BRCA2):c.5609T>A (p.Phe1870Tyr)

Gene: BRCA2 (BRCA2 DNA repair associated; plus strand). Cytogenetic location: 13q13.1.
Variant type: single nucleotide variant.
Coding change: c.5609T>A on transcript NM_000059.4 (MANE Select); coding-DNA position 5609, T replaced by A.
Protein change: p.Phe1870Tyr; replaces phenylalanine 1870 with tyrosine.
Molecular consequence: missense variant.
Genome position (GRCh38, 1-based): chr13:32,339,964, T>A. VCF-style: chr13-32339964-T-A. GRCh37 (hg19) VCF-style: chr13-32914101-T-A.
Other names: short protein forms F1870Y.
Identifiers: ClinVar variation 431319 (VCV000431319.13), dbSNP rs1135401908, ClinGen allele CA387786082.

ClinVar aggregate classification (germline): Conflicting classifications of pathogenicity. Review status: criteria provided, conflicting classifications (1 of 4 stars). 6 submissions from 6 submitters: Uncertain significance (2); Likely benign (3). 1 of the submissions does not count toward it. Last evaluated 2025-04-28.

Conditions:
Hereditary breast ovarian cancer syndrome. Also called: Hereditary breast and ovarian cancer; Hereditary breast and ovarian cancer syndrome (HBOC); Hereditary breast and/or ovarian cancer syndrome; Breast and ovarian cancer; BRCA1- and BRCA2-Associated Hereditary Breast and Ovarian Cancer; Hereditary breast and ovarian cancer syndrome. Identifiers: Orphanet 145, MedGen C0677776, MeSH D061325, MONDO:0003582. Disease mechanism: loss of function.
Hereditary cancer-predisposing syndrome. Also called: Hereditary Cancer Syndrome; Hereditary neoplastic syndrome; Neoplastic Syndromes, Hereditary; Tumor predisposition. Identifiers: Orphanet 140162, MedGen C0027672, MeSH D009386, MONDO:0015356.

Submissions (6):

Color Diagnostics, LLC DBA Color Health
Classification: Uncertain significance for Hereditary cancer-predisposing syndrome. Last evaluated: 2025-04-28. Review status: criteria provided, single submitter. Criteria: ACMG Guidelines, 2015. Collection method: clinical testing. Allele origin: germline.
Comment: This missense variant replaces phenylalanine with tyrosine at codon 1870 of the BRCA2 protein. Computational prediction suggests that this variant may not impact protein structure and function. To our knowledge, functional studies have not been reported for this variant. This variant has not been reported in individuals affected with BRCA2-related disorders in the literature. This variant has not been identified in the general population by the Genome Aggregation Database (gnomAD). The available evidence is insufficient to determine the role of this variant in disease conclusively. Therefore, this variant is classified as a Variant of Uncertain Significance.

Blueprint Genetics
Classification: Likely benign. Last evaluated: 2024-06-19. Review status: criteria provided, single submitter. Criteria: ACMG Guidelines, 2015. Collection method: clinical testing. Allele origin: germline.

Labcorp Genetics (formerly Invitae), Labcorp
Classification: Uncertain significance for Hereditary breast ovarian cancer syndrome. Last evaluated: 2024-04-16. Review status: criteria provided, single submitter. Criteria: Invitae Variant Classification Sherloc (09022015). Collection method: clinical testing. Allele origin: germline.
Comment: This sequence change replaces phenylalanine, which is neutral and non-polar, with tyrosine, which is neutral and polar, at codon 1870 of the BRCA2 protein (p.Phe1870Tyr). This variant is not present in population databases (gnomAD no frequency). This variant has not been reported in the literature in individuals affected with BRCA2-related conditions. ClinVar contains an entry for this variant (Variation ID: 431319). Advanced modeling of protein sequence and biophysical properties (such as structural, functional, and spatial information, amino acid conservation, physicochemical variation, residue mobility, and thermodynamic stability) performed at Invitae indicates that this missense variant is not expected to disrupt BRCA2 protein function with a negative predictive value of 95%. In summary, the available evidence is currently insufficient to determine the role of this variant in disease. Therefore, it has been classified as a Variant of Uncertain Significance.

Ambry Genetics
Classification: Likely benign for Hereditary cancer-predisposing syndrome. Last evaluated: 2024-01-16. Review status: criteria provided, single submitter. Criteria: Ambry Variant Classification Scheme 2023. Collection method: clinical testing. Allele origin: germline.

University of Washington Department of Laboratory Medicine, University of Washington
Classification: Likely benign for Hereditary cancer-predisposing syndrome. Last evaluated: 2023-03-23. Review status: criteria provided, single submitter. Criteria: Dines et al. (Genet Med. 2020). Collection method: curation. Allele origin: germline.
Comment: Missense variant in a coldspot region where missense variants are very unlikely to be pathogenic (PMID:31911673).

BRCA2 exon 11 coldspot. Reclassification based on statistical prior probability.

Research Molecular Genetics Laboratory, Women's College Hospital, University of Toronto
Classification: Uncertain significance. Last evaluated: 2014-03-05. Review status: no assertion criteria provided. Collection method: research. Allele origin: germline. Affected: yes. Study: The Canadian Open Genetics Repository (COGR). Not counted in ClinVar's aggregate classification.